The following is an entry in ClinVar:

NM_005236.3(ERCC4):c.389-376C>T

Gene: ERCC4 (ERCC excision repair 4, endonuclease catalytic subunit; plus strand). Cytogenetic location: 16p13.12.
Variant type: single nucleotide variant.
Coding change: c.389-376C>T on transcript NM_005236.3 (MANE Select); 376 bases into the intron before coding-DNA position 389, C replaced by T.
Molecular consequence: intron variant.
Genome position (GRCh38, 1-based): chr16:13,926,185, C>T. VCF-style: chr16-13926185-C-T. GRCh37 (hg19) VCF-style: chr16-14020042-C-T.
Identifiers: ClinVar variation 3234743 (VCV003234743.20), dbSNP rs1460414480, ClinGen allele CA718329520.

ClinVar aggregate classification (germline): Likely benign (1 of 4 stars; one submission).

Allele frequency attached by ClinVar (database versions not stated): TOPMed below 0.00001; gnomAD 0.00001.
gnomAD v4.1: 1 of 152,110 alleles (0.00066%); highest among the groups gnomAD compares: Admixed American, 0.0065%; no homozygotes.

Submission:

CeGaT Center for Human Genetics Tuebingen
Classification: Likely benign. Last evaluated: 2024-04-01. Review status: criteria provided, single submitter. Criteria: CeGaT Center For Human Genetics Tuebingen Variant Classification Criteria Version 2. Collection method: clinical testing. Allele origin: germline. Affected: yes. Observed: 1 variant allele.
Comment: ERCC4: BP4, BP7